The following is an entry in ClinVar:

NM_006393.3(NEBL):c.1837C>G (p.Arg613Gly)

Gene: NEBL (nebulette; minus strand). Cytogenetic location: 10p12.31.
Variant type: single nucleotide variant.
Coding change: c.1837C>G on transcript NM_006393.3 (MANE Select); coding-DNA position 1837, C replaced by G.
Protein change: p.Arg613Gly; replaces arginine 613 with glycine.
Molecular consequence: missense variant. On other transcripts: intron variant (9).
Genome position (GRCh38, 1-based): chr10:20,826,479, G>C on the plus strand (C>G on the coding strand, the complement: NEBL is on the minus strand). VCF-style: chr10-20826479-G-C. GRCh37 (hg19) VCF-style: chr10-21115408-G-C.
Other names: c.250-13539C>G (NM_001377326.1, NM_001377327.1, NM_001377328.1); c.358-13539C>G (NM_213569.2, NM_001173484.2, NM_001377322.1); c.301-13539C>G (NM_001377324.1); c.292-13539C>G (NM_001377325.1); c.310-13539C>G (NM_001377323.1); short protein forms R613G.
Identifiers: ClinVar variation 2786077 (VCV002786077.3), dbSNP rs146471913, ClinGen allele CA376096053.
Genomic context (GRCh38, chr10:20,826,479, plus strand): 5'-AAGATAATTAATGCTGTAGAGAACTTACTGAACTAATATTCTGCTGATTTTTCTTCACTC[G>C]TTCGATCTCTGGGCTATCTTTCACTGCAGTGCCAGCTCCCACTTCTTTCTTATAAAATAC-3'
Protein context (NP_006384.1, residues 603-623): TAVKDSPEIE[Arg613Gly]VKKNQQNISS

ClinVar aggregate classification (germline): Uncertain significance (1 of 4 stars; one submission).

Conditions:
Primary dilated cardiomyopathy (DCM). Also called: Dilated Cardiomyopathy. Identifiers: Orphanet 217604, MedGen C0007193, MeSH D002311, MONDO:0005021, HP:0001644. Inheritance: Various modes of inheritance.

Submission:

Labcorp Genetics (formerly Invitae), Labcorp
Classification: Uncertain significance for Primary dilated cardiomyopathy. Last evaluated: 2023-08-02. Review status: criteria provided, single submitter. Criteria: Invitae Variant Classification Sherloc (09022015). Collection method: clinical testing. Allele origin: germline.
Comment: This variant is not present in population databases (gnomAD no frequency). This variant has not been reported in the literature in individuals affected with NEBL-related conditions. An algorithm developed to predict the effect of missense changes on protein structure and function (PolyPhen-2) suggests that this variant is likely to be disruptive. In summary, the available evidence is currently insufficient to determine the role of this variant in disease. Therefore, it has been classified as a Variant of Uncertain Significance. This sequence change replaces arginine, which is basic and polar, with glycine, which is neutral and non-polar, at codon 613 of the NEBL protein (p.Arg613Gly).